The following is an entry in ClinVar:

ClinVar aggregate classification (germline): Uncertain significance (0 of 4 stars; one submission).

Conditions:
CUX2-related disorder. Also called: CUX2-related condition.

Submission:

PreventionGenetics, part of Exact Sciences
Classification: Uncertain significance for CUX2-related condition. Last evaluated: 2024-02-03. Review status: no assertion criteria provided. Collection method: clinical testing. Allele origin: germline.
Comment: The CUX2 c.2623A>G variant is predicted to result in the amino acid substitution p.Thr875Ala. To our knowledge, this variant has not been reported in the literature or in a large population database, indicating this variant is rare. At this time, the clinical significance of this variant is uncertain due to the absence of conclusive functional and genetic evidence.

NM_015267.4(CUX2):c.2623A>G (p.Thr875Ala)

Gene: CUX2 (cut like homeobox 2; plus strand). Cytogenetic location: 12q24.12.
Variant type: single nucleotide variant.
Coding change: c.2623A>G on transcript NM_015267.4 (MANE Select); coding-DNA position 2623, A replaced by G.
Protein change: p.Thr875Ala; replaces threonine 875 with alanine.
Molecular consequence: missense variant.
Genome position (GRCh38, 1-based): chr12:111,320,632, A>G. VCF-style: chr12-111320632-A-G. GRCh37 (hg19) VCF-style: chr12-111758436-A-G.
Other names: c.2437A>G, p.Thr813Ala (NM_001370598.1); short protein forms T813A, T875A.
Identifiers: ClinVar variation 3033962 (VCV003033962.2), dbSNP rs2499870335, ClinGen allele CA386713922.